The following is an entry in ClinVar:

ClinVar aggregate classification (germline): Uncertain significance (1 of 4 stars; one submission).

Submission:

Labcorp Genetics (formerly Invitae), Labcorp
Classification: Uncertain significance. Last evaluated: 2022-11-01. Review status: criteria provided, single submitter. Criteria: Invitae Variant Classification Sherloc (09022015). Collection method: clinical testing. Allele origin: germline.
Comment: A copy number gain of the genomic region encompassing the full coding sequence of the KCNK4 gene has been identified. The boundaries of this event are unknown as they extend beyond the assayed region for this gene and therefore may encompass additional genes. As the precise location of this event is unknown, it may be in tandem or it may be located elsewhere in the genome. This variant has not been reported in the literature in individuals affected with KCNK4-related conditions. In summary, the available evidence is currently insufficient to determine the role of this variant in disease. Therefore, it has been classified as a Variant of Uncertain Significance.

NC_000011.9:g.(?_64060491)_(64067198_?)dup

Gene: KCNK4 (potassium two pore domain channel subfamily K member 4; plus strand). Cytogenetic location: 11q13.1.
Variant type: Duplication.
Identifiers: ClinVar variation 2424125 (VCV002424125.3).